The following is an entry in ClinVar:

ClinVar aggregate classification (germline): Uncertain significance. Review status: criteria provided, multiple submitters, no conflicts (2 of 4 stars). 2 submissions from 2 submitters: Uncertain significance (2). Last evaluated 2022-06-01.

Conditions:
Spondyloepimetaphyseal dysplasia-short limb-abnormal calcification syndrome (SMED-SL). Also called: SMED short limb-hand type; SMED type 2; Spondylometaepiphyseal dysplasia short limb-abnormal calcification type; Smed short limb-abnormal calcification type; Spondylometaepiphyseal dysplasia, short limb-hand type; SMED, TYPE II. Identifiers: Orphanet 93358, MedGen C1849011, MONDO:0010077, OMIM 271665.
Warburg-cinotti syndrome. Identifiers: MedGen C5193019, MONDO:0032579, OMIM 618175.

Allele frequency attached by ClinVar (database versions not stated): gnomAD 0.00002 and 0.00003; gnomAD exomes 0.00003 and 0.00015; TOPMed 0.00006; ExAC 0.00015; 1000 Genomes Project 0.00020; 1000 Genomes Project 30x 0.00031.
gnomAD v4.1: 49 of 1,613,992 alleles (0.003%); highest among the groups gnomAD compares: East Asian, 0.087%; no homozygotes.

Submissions (2):

Labcorp Genetics (formerly Invitae), Labcorp
Classification: Uncertain significance. Last evaluated: 2022-06-01. Review status: criteria provided, single submitter. Criteria: Invitae Variant Classification Sherloc (09022015). Collection method: clinical testing. Allele origin: germline.
Comment: This sequence change replaces threonine, which is neutral and polar, with isoleucine, which is neutral and non-polar, at codon 681 of the DDR2 protein (p.Thr681Ile). This variant is present in population databases (rs201701502, gnomAD 0.2%). This variant has not been reported in the literature in individuals affected with DDR2-related conditions. ClinVar contains an entry for this variant (Variation ID: 1435412). Algorithms developed to predict the effect of missense changes on protein structure and function (SIFT, PolyPhen-2, Align-GVGD) all suggest that this variant is likely to be tolerated. In summary, the available evidence is currently insufficient to determine the role of this variant in disease. Therefore, it has been classified as a Variant of Uncertain Significance.

Juno Genomics, Hangzhou Juno Genomics, Inc
Classification: Uncertain significance for Spondyloepimetaphyseal dysplasia-short limb-abnormal calcification syndrome; Warburg-cinotti syndrome. Review status: criteria provided, single submitter. Criteria: ACMG Guidelines, 2015. Collection method: clinical testing. Allele origin: germline.
Comment: Absent from controls (or at extremely low frequency if recessive) in Genome Aggregation Database.;Missense variant in a gene that has a low rate of benign missense variation.

NM_006182.4(DDR2):c.2042C>T (p.Thr681Ile)

Gene: DDR2 (discoidin domain receptor tyrosine kinase 2; plus strand). Cytogenetic location: 1q23.3.
Variant type: single nucleotide variant.
Coding change: c.2042C>T on transcript NM_006182.4 (MANE Select); coding-DNA position 2042, C replaced by T.
Protein change: p.Thr681Ile; replaces threonine 681 with isoleucine.
Molecular consequence: missense variant.
Genome position (GRCh38, 1-based): chr1:162,775,837, C>T. VCF-style: chr1-162775837-C-T. GRCh37 (hg19) VCF-style: chr1-162745627-C-T.
Other names: c.2042C>T, p.Thr681Ile (NM_001014796.3, NM_001354982.2, NM_001354983.2); short protein forms T681I.
Identifiers: ClinVar variation 1435412 (VCV001435412.7), dbSNP rs201701502, ClinGen allele CA1217694.